The following is an entry in ClinVar:

ClinVar aggregate classification (germline): Likely pathogenic (1 of 4 stars; one submission).

Conditions:
Aniridia 1 (AN1). Identifiers: Orphanet 250923, MedGen C0344542, MONDO:0024507, OMIM 106210.

Submission:

Dept. Genetics and Cancer, Menzies Institute for Medical Research, University of Tasmania
Classification: Likely pathogenic for Aniridia 1. Last evaluated: 2024-09-12. Review status: criteria provided, single submitter. Criteria: ACMG Guidelines, 2015. Collection method: research. Allele origin: germline. Affected: yes. Observed: 1 variant allele.
Comment: PAX6 NM_000280.6:c.802_806dup p.(Leu271Lysfs*3). ACMG-AMP criteria: PM2_Supp, PVS1. Absent from population databases (gnomad v4.0), Frameshift variant predicted to undergo NMD.

NM_001368894.2(PAX6):c.844_848dup (p.Leu285fs)

Gene: PAX6 (paired box 6; minus strand). Cytogenetic location: 11p13.
Variant type: Microsatellite.
Coding change: c.844_848dup on transcript NM_001368894.2 (MANE Select); coding-DNA positions 844 to 848, 5 bases duplicated (GAAGA; older notation c.844_848dupGAAGA).
Protein change: p.Leu285fs; shifts the reading frame from leucine 285.
Molecular consequence: frameshift variant. On other transcripts: non-coding transcript variant (2).
Genome position (GRCh38, 1-based): chr11:31,793,762-31,793,766, TCTTC duplicated on the plus strand (GAAGA on the coding strand, the reverse complement: PAX6 is on the minus strand); duplicating any 5 consecutive bases within chr11:31,793,762-31,793,773 gives the same sequence; the c. name uses the placement nearest the transcript's 3' end. VCF-style (leftmost placement, unchanged base first): chr11-31793761-T-TTCTTC. GRCh37 (hg19) VCF-style: chr11-31815309-T-TTCTTC.
Other names: c.394_398dup, p.Leu135fs (NM_001368904.2, NM_001368905.2, NM_001368906.2 and 11 more transcripts); c.1045_1049dup, p.Leu352fs (NM_001368910.2); c.847_851dup, p.Leu286fs (NM_001368911.2); c.844_848dup, p.Leu285fs (NM_001368912.2, NM_001604.6, NM_001258462.3 and 6 more transcripts); c.601_605dup, p.Leu204fs (NM_001368928.2); c.199_203dup, p.Leu70fs (NM_001368930.2); c.643_647dup, p.Leu218fs (NM_001368927.2, NM_001368921.2, NM_001368922.2 and 4 more transcripts); c.802_806dup, p.Leu271fs (NM_000280.6, NM_001127612.3, NM_001258464.2 and 10 more transcripts); and 2 more; short protein forms L135fs, L204fs, L218fs, L271fs, L285fs, L286fs, L296fs, L310fs.
Identifiers: ClinVar variation 3253730 (VCV003253730.2).